The following is an entry in ClinVar:

NM_007059.4(KPTN):c.1248A>G (p.Arg416=)

Gene: KPTN (kaptin, actin binding protein; minus strand). Cytogenetic location: 19q13.32.
Variant type: single nucleotide variant.
Coding change: c.1248A>G on transcript NM_007059.4 (MANE Select); coding-DNA position 1248, A replaced by G.
Protein change: p.Arg416=; no amino-acid change (arginine 416 retained).
Molecular consequence: synonymous variant. On other transcripts: non-coding transcript variant (1).
Genome position (GRCh38, 1-based): chr19:47,475,479, T>C on the plus strand (A>G on the coding strand, the complement: KPTN is on the minus strand). VCF-style: chr19-47475479-T-C. GRCh37 (hg19) VCF-style: chr19-47978736-T-C.
Other names: c.1080A>G, p.Arg360= (NM_001291296.2).
Identifiers: ClinVar variation 3389075 (VCV003389075.14).

ClinVar aggregate classification (germline): Likely benign (1 of 4 stars; one submission).

Submission:

CeGaT Center for Human Genetics Tuebingen
Classification: Likely benign. Last evaluated: 2024-10-01. Review status: criteria provided, single submitter. Criteria: CeGaT Center For Human Genetics Tuebingen Variant Classification Criteria Version 2. Collection method: clinical testing. Allele origin: germline. Affected: yes. Observed: 1 variant allele.
Comment: KPTN: PM2:Supporting, BP4, BP7